The following is an entry in ClinVar:

NM_020366.4(RPGRIP1):c.1765C>T (p.Gln589Ter)

Gene: RPGRIP1 (RPGR interacting protein 1; plus strand). Cytogenetic location: 14q11.2.
Variant type: single nucleotide variant.
Coding change: c.1765C>T on transcript NM_020366.4 (MANE Select); coding-DNA position 1765, C replaced by T.
Protein change: p.Gln589Ter; replaces glutamine 589 with a stop codon.
Molecular consequence: nonsense. On other transcripts: intron variant (3).
Genome position (GRCh38, 1-based): chr14:21,324,620, C>T. VCF-style: chr14-21324620-C-T. GRCh37 (hg19) VCF-style: chr14-21792779-C-T.
Other names: c.691C>T, p.Gln231Ter (NM_001377948.1, NM_001377949.1); c.688+2616C>T (NM_001377523.1, NM_001377950.1); c.190+2616C>T (NM_001377951.1); short protein forms Q589*, Q231*.
Identifiers: ClinVar variation 5005293 (VCV005005293.2).

ClinVar aggregate classification (germline): Likely pathogenic (1 of 4 stars; one submission).

Conditions:
Leber congenital amaurosis 6 (LCA6). Identifiers: Orphanet 65, MedGen C1854260, MONDO:0013446, OMIM 613826.
Cone-rod dystrophy 13 (CORD13). Identifiers: Orphanet 1872, MedGen C2750720, MONDO:0011987, OMIM 608194.

Submission:

Juno Genomics, Hangzhou Juno Genomics, Inc
Classification: Likely pathogenic for Cone-rod dystrophy 13; Leber congenital amaurosis 6. Review status: criteria provided, single submitter. Criteria: ACMG Guidelines, 2015. Collection method: clinical testing. Allele origin: germline.
Comment: Null variant in a gene where loss of function (LOF) is a known mechanism of disease.;Absent from controls (or at extremely low frequency if recessive) in Genome Aggregation Database.